The following is an entry in ClinVar:

ClinVar aggregate classification (germline): Benign (0 of 4 stars; one submission).

Conditions:
MYOM2-related disorder. Also called: MYOM2-related condition.

Allele frequency attached by ClinVar (database versions not stated): ExAC 0.01872; ESP Exome Variant Server 0.02137; gnomAD 0.02252; TOPMed 0.02586; 1000 Genomes Project 0.03454; 1000 Genomes Project 30x 0.03498.
gnomAD v4.1: 26,632 of 1,612,516 alleles (1.7%); highest among the groups gnomAD compares: East Asian, 5.3%; 339 homozygotes.

Submission:

PreventionGenetics, part of Exact Sciences
Classification: Benign for MYOM2-related condition. Last evaluated: 2019-06-12. Review status: no assertion criteria provided. Collection method: clinical testing. Allele origin: germline.
Comment: This variant is classified as benign based on ACMG/AMP sequence variant interpretation guidelines (Richards et al. 2015 PMID: 25741868, with internal and published modifications).

NM_003970.4(MYOM2):c.672T>C (p.Thr224=)

Gene: MYOM2 (myomesin 2; plus strand). Cytogenetic location: 8p23.3.
Variant type: single nucleotide variant.
Coding change: c.672T>C on transcript NM_003970.4 (MANE Select); coding-DNA position 672, T replaced by C.
Protein change: p.Thr224=; no amino-acid change (threonine 224 retained).
Molecular consequence: synonymous variant.
Genome position (GRCh38, 1-based): chr8:2,069,296, T>C. VCF-style: chr8-2069296-T-C. GRCh37 (hg19) VCF-style: chr8-2017415-T-C.
Identifiers: ClinVar variation 3056775 (VCV003056775.2), dbSNP rs17064642, ClinGen allele CA170446342.
Genomic context (GRCh38, chr8:2,069,296, plus strand): 5'-ACAACAGTCCCGCAGACTTTCTCTTGTTTTTTTCTCTCCAAGGGCAGACTTTGACGACAC[T>C]GCGACATACTCAGCAGTGGCCACCAATGCCCACGGACAAGTGTCCACCAACGCGGCGGTG-3'
Protein context (NP_003961.3, residues 214-234): LEINRADFDD[Thr224=]ATYSAVATNA